The following is an entry in ClinVar:

ClinVar aggregate classification (germline): Benign (1 of 4 stars; one submission).

Allele frequency attached by ClinVar (database versions not stated): gnomAD 0.07742 and 0.08098.
gnomAD v4.1: 2,222 of 28,792 alleles (7.7%); highest among the groups gnomAD compares: African/African-American, 13%; 143 homozygotes.

Submission:

GeneDx
Classification: Benign. Last evaluated: 2018-06-19. Review status: criteria provided, single submitter. Criteria: GeneDx Variant Classification (06012015). Collection method: clinical testing. Allele origin: germline. Affected: yes.
Comment: This variant is considered likely benign or benign based on one or more of the following criteria: it is a conservative change, it occurs at a poorly conserved position in the protein, it is predicted to be benign by multiple in silico algorithms, and/or has population frequency not consistent with disease.

NM_001244008.2(KIF1A):c.430-289A>G

Gene: KIF1A (kinesin family member 1A; minus strand). Cytogenetic location: 2q37.3.
Variant type: single nucleotide variant.
Coding change: c.430-289A>G on transcript NM_001244008.2 (MANE Select); 289 bases into the intron before coding-DNA position 430, A replaced by G.
Molecular consequence: intron variant.
Genome position (GRCh38, 1-based): chr2:240,786,802, T>C on the plus strand (A>G on the coding strand, the complement: KIF1A is on the minus strand). VCF-style: chr2-240786802-T-C. GRCh37 (hg19) VCF-style: chr2-241726219-T-C.
Other names: c.430-289A>G (NM_001379653.1, NM_001379650.1, NM_001379645.1 and 20 more transcripts).
Identifiers: ClinVar variation 671788 (VCV000671788.1), dbSNP rs4998256, ClinGen allele CA68141557.